The following is an entry in ClinVar:

ClinVar aggregate classification (germline): Pathogenic (1 of 4 stars; one submission).

Conditions:
Cerebral cavernous malformation 3. Also called: Familial Cerebral Cavernous Malformation 3. Identifiers: Orphanet 221061, MedGen C1864040, MONDO:0011305, OMIM 603285.

Submission:

Labcorp Genetics (formerly Invitae), Labcorp
Classification: Pathogenic for Cerebral cavernous malformation 3. Last evaluated: 2019-01-17. Review status: criteria provided, single submitter. Criteria: Invitae Variant Classification Sherloc (09022015). Collection method: clinical testing. Allele origin: germline.
Comment: Loss-of-function variants in PDCD10 are known to be pathogenic (PMID: 15543491, 18300272, 23801932). This sequence change creates a premature translational stop signal (p.Gln60*) in the PDCD10 gene. It is expected to result in an absent or disrupted protein product. This variant is not present in population databases (ExAC no frequency). This variant has not been reported in the literature in individuals with PDCD10-related conditions. For these reasons, this variant has been classified as Pathogenic.

Literature cited by the submitters: PubMed 15543491; PubMed 18300272; PubMed 23801932.

NM_007217.4(PDCD10):c.178C>T (p.Gln60Ter)

Gene: PDCD10 (programmed cell death 10; minus strand). Cytogenetic location: 3q26.1.
Variant type: single nucleotide variant.
Coding change: c.178C>T on transcript NM_007217.4 (MANE Select); coding-DNA position 178, C replaced by T.
Protein change: p.Gln60Ter; replaces glutamine 60 with a stop codon.
Molecular consequence: nonsense.
Genome position (GRCh38, 1-based): chr3:167,697,099, G>A on the plus strand (C>T on the coding strand, the complement: PDCD10 is on the minus strand). VCF-style: chr3-167697099-G-A. GRCh37 (hg19) VCF-style: chr3-167414887-G-A.
Other names: c.178C>T, p.Gln60Ter (NM_145859.2, NM_145860.2); short protein forms Q60*.
Identifiers: ClinVar variation 851434 (VCV000851434.7), dbSNP rs1720895403, ClinGen allele CA355154901.